The following is an entry in ClinVar:

ClinVar aggregate classification (germline): Uncertain significance. Review status: criteria provided, multiple submitters, no conflicts (2 of 4 stars). 2 submissions from 2 submitters: Uncertain significance (2). Last evaluated 2025-05-19.

Submissions (2):

GeneDx
Classification: Uncertain significance. Last evaluated: 2025-05-19. Review status: criteria provided, single submitter. Criteria: GeneDx Variant Classification Process June 2021. Collection method: clinical testing. Allele origin: germline. Affected: yes.
Comment: Not observed at significant frequency in large population cohorts (gnomAD); In silico analysis supports that this missense variant does not alter protein structure/function; Has not been previously published as pathogenic or benign to our knowledge

Labcorp Genetics (formerly Invitae), Labcorp
Classification: Uncertain significance. Last evaluated: 2024-06-29. Review status: criteria provided, single submitter. Criteria: Invitae Variant Classification Sherloc (09022015). Collection method: clinical testing. Allele origin: germline.
Comment: This sequence change replaces methionine, which is neutral and non-polar, with isoleucine, which is neutral and non-polar, at codon 35 of the NEXMIF protein (p.Met35Ile). This variant is not present in population databases (gnomAD no frequency). This variant has not been reported in the literature in individuals affected with NEXMIF-related conditions. ClinVar contains an entry for this variant (Variation ID: 2574500). Algorithms developed to predict the effect of missense changes on protein structure and function output the following: SIFT: "Not Available"; PolyPhen-2: "Benign"; Align-GVGD: "Not Available". The isoleucine amino acid residue is found in multiple mammalian species, which suggests that this missense change does not adversely affect protein function. In summary, the available evidence is currently insufficient to determine the role of this variant in disease. Therefore, it has been classified as a Variant of Uncertain Significance.

NM_001008537.3(NEXMIF):c.105G>A (p.Met35Ile)

Gene: NEXMIF (neurite extension and migration factor; minus strand). Cytogenetic location: Xq13.3.
Variant type: single nucleotide variant.
Coding change: c.105G>A on transcript NM_001008537.3 (MANE Select); coding-DNA position 105, G replaced by A.
Protein change: p.Met35Ile; replaces methionine 35 with isoleucine.
Molecular consequence: missense variant.
Genome position (GRCh38, 1-based): chrX:74,744,452, C>T on the plus strand (G>A on the coding strand, the complement: NEXMIF is on the minus strand). VCF-style: chrX-74744452-C-T. GRCh37 (hg19) VCF-style: chrX-73964287-C-T.
Other names: short protein forms M35I.
Identifiers: ClinVar variation 2574500 (VCV002574500.5), dbSNP rs2519917114, ClinGen allele CA413674304.